The following is an entry in ClinVar:

ClinVar aggregate classification (germline): Uncertain significance. Review status: criteria provided, multiple submitters, no conflicts (2 of 4 stars). 2 submissions from 2 submitters: Uncertain significance (2). Last evaluated 2025-06-29.

Conditions:
Inborn genetic diseases. Identifiers: MedGen C0950123, MeSH D030342.

Submissions (2):

Labcorp Genetics (formerly Invitae), Labcorp
Classification: Uncertain significance. Last evaluated: 2025-06-29. Review status: criteria provided, single submitter. Criteria: Invitae Variant Classification Sherloc (09022015). Collection method: clinical testing. Allele origin: germline.
Comment: This sequence change replaces methionine, which is neutral and non-polar, with valine, which is neutral and non-polar, at codon 160 of the MBD4 protein (p.Met160Val). This variant is not present in population databases (gnomAD no frequency). This variant has not been reported in the literature in individuals affected with MBD4-related conditions. ClinVar contains an entry for this variant (Variation ID: 2327853). An algorithm developed to predict the effect of missense changes on protein structure and function outputs the following: PolyPhen-2: "Benign". The valine amino acid residue is found in multiple mammalian species, which suggests that this missense change does not adversely affect protein function. In summary, the available evidence is currently insufficient to determine the role of this variant in disease. Therefore, it has been classified as a Variant of Uncertain Significance.

Ambry Genetics
Classification: Uncertain significance for Inborn genetic diseases. Last evaluated: 2022-11-18. Review status: criteria provided, single submitter. Criteria: Ambry Variant Classification Scheme 2023. Collection method: clinical testing. Allele origin: germline.

NM_001276270.2(MBD4):c.478A>G (p.Met160Val)

Gene: MBD4 (methyl-CpG binding domain 4, DNA glycosylase; minus strand). Cytogenetic location: 3q21.3.
Variant type: single nucleotide variant.
Coding change: c.478A>G on transcript NM_001276270.2 (MANE Select); coding-DNA position 478, A replaced by G.
Protein change: p.Met160Val; replaces methionine 160 with valine.
Molecular consequence: missense variant. On other transcripts: intron variant (1).
Genome position (GRCh38, 1-based): chr3:129,437,166, T>C on the plus strand (A>G on the coding strand, the complement: MBD4 is on the minus strand). VCF-style: chr3-129437166-T-C. GRCh37 (hg19) VCF-style: chr3-129156009-T-C.
Other names: c.478A>G, p.Met160Val (NM_001276271.2, NM_001276272.2, NM_003925.3); c.247+642A>G (NM_001276273.2); short protein forms M160V.
Identifiers: ClinVar variation 2327853 (VCV002327853.4), dbSNP rs2530723259, ClinGen allele CA354467949.
Genomic context (GRCh38, chr3:129,437,166, plus strand): 5'-TCCTGAGGTTCCAGTTTGAATTGTTACTTTGGTTTTGTAGATGGGATGTCAGGGCTGCCA[T>C]GCTGCAGTCTTTATATCTTGACTTGATACCCCTTTTAGAAAGTACAGTAAAATCAAAATC-3'
Protein context (NP_001263199.1, residues 150-170): GIKSRYKDCS[Met160Val]AALTSHLQNQ